The following is an entry in ClinVar:

ClinVar aggregate classification (germline): Benign. Review status: criteria provided, multiple submitters, no conflicts (2 of 4 stars). 3 submissions from 2 submitters: Benign (3). Last evaluated 2018-01-12.

Conditions:
Lethal Kniest-like syndrome (DDSH). Also called: Dyssegmental Dysplasia. Identifiers: Orphanet 1865, MedGen C1857100, MONDO:0009140, OMIM 224410.
Schwartz-Jampel syndrome. Also called: Myotonic myopathy dwarfism chondrodystrophy and ocular and facial abnormalities. Identifiers: Orphanet 800, MedGen C0036391, MONDO:0009717.

Allele frequency attached by ClinVar (database versions not stated): 1000 Genomes Project 30x 0.02592; 1000 Genomes Project 0.02736; TOPMed 0.03231; gnomAD 0.03248 and 0.03392; gnomAD exomes 0.04863.
gnomAD v4.1: 52,507 of 1,128,680 alleles (4.7%); highest among the groups gnomAD compares: South Asian, 8.5%; 1,526 homozygotes.

Submissions (3):

Illumina Laboratory Services, Illumina
Classification: Benign for Lethal Kniest-like syndrome. Last evaluated: 2018-01-12. Review status: criteria provided, single submitter. Criteria: ICSL Variant Classification Criteria 13 December 2019. Collection method: clinical testing. Allele origin: germline.
Comment: This variant was observed in the ICSL laboratory as part of a predisposition screen in an ostensibly healthy population. It had not been previously curated by ICSL or reported in the Human Gene Mutation Database (HGMD: prior to June 1st, 2018), and was therefore a candidate for classification through an automated scoring system. Utilizing variant allele frequency, disease prevalence and penetrance estimates, and inheritance mode, an automated score was calculated to assess if this variant is too frequent to cause the disease. Based on the score and internal cut-off values, a variant classified as benign is not then subjected to further curation. The score for this variant resulted in a classification of benign for this disease.

Illumina Laboratory Services, Illumina
Classification: Benign for Schwartz-Jampel syndrome type 1. Last evaluated: 2018-01-12. Review status: criteria provided, single submitter. Criteria: ICSL Variant Classification Criteria 13 December 2019. Collection method: clinical testing. Allele origin: germline.
Comment: the same text as in the submission from Illumina Laboratory Services, Illumina above.

Breakthrough Genomics
Classification: Benign. Review status: criteria provided, single submitter. Criteria: ACMG Guidelines, 2015. Collection method: not provided. Allele origin: germline. Inheritance: Autosomal recessive inheritance. Affected: yes.

NM_005529.7(HSPG2):c.*992C>T

Genes: HSPG2 (heparan sulfate proteoglycan 2; minus strand), LDLRAD2 (low density lipoprotein receptor class A domain containing 2; plus strand). Cytogenetic location: 1p36.12.
Variant type: single nucleotide variant.
Coding change: c.*992C>T on transcript NM_005529.7 (MANE Select); 992 bases downstream of the stop codon, C replaced by T.
Molecular consequence: 3 prime UTR variant.
Genome position (GRCh38, 1-based): chr1:21,822,324, G>A on the plus strand (C>T on the coding strand, the complement: HSPG2 is on the minus strand). VCF-style: chr1-21822324-G-A. GRCh37 (hg19) VCF-style: chr1-22148817-G-A.
Other names: c.*992C>T (NM_001291860.2); c.*109G>A (NM_001013693.3).
Identifiers: ClinVar variation 295680 (VCV000295680.6), dbSNP rs1049675, ClinGen allele CA10609072.
Genomic context (GRCh38, chr1:21,822,324, plus strand): 5'-ATTAAGAAAAATCAAGACAAAGACCACAGGAGGGTCCCTTCTAGGACACAGAGGCCAGGC[G>A]TCCCAACCCCACAGTCTGGGGGCCACTGGCAGGATGGCACTTGAGCTGGATCTTCAGGCT-3'